The following is an entry in ClinVar:

ClinVar aggregate classification (germline): Uncertain significance (1 of 4 stars; one submission).

Conditions:
Cardiovascular phenotype. Identifiers: MedGen CN230736.

Submission:

Ambry Genetics
Classification: Uncertain significance for Cardiovascular phenotype. Last evaluated: 2021-10-26. Review status: criteria provided, single submitter. Criteria: Ambry Variant Classification Scheme 2023. Collection method: clinical testing. Allele origin: germline.
Comment: The p.A943D variant (also known as c.2828C>A), located in coding exon 19 of the TRPM4 gene, results from a C to A substitution at nucleotide position 2828. The alanine at codon 943 is replaced by aspartic acid, an amino acid with dissimilar properties. This amino acid position is conserved. In addition, this alteration is predicted to be deleterious by in silico analysis. Since supporting evidence is limited at this time, the clinical significance of this alteration remains unclear.

NM_017636.4(TRPM4):c.2828C>A (p.Ala943Asp)

Gene: TRPM4 (transient receptor potential cation channel subfamily M member 4; plus strand). Cytogenetic location: 19q13.33.
Variant type: single nucleotide variant.
Coding change: c.2828C>A on transcript NM_017636.4 (MANE Select); coding-DNA position 2828, C replaced by A.
Protein change: p.Ala943Asp; replaces alanine 943 with aspartic acid.
Molecular consequence: missense variant.
Genome position (GRCh38, 1-based): chr19:49,200,660, C>A. VCF-style: chr19-49200660-C-A. GRCh37 (hg19) VCF-style: chr19-49703917-C-A.
Other names: c.2393C>A, p.Ala798Asp (NM_001195227.2); c.2483C>A, p.Ala828Asp (NM_001321281.2); c.1220C>A, p.Ala407Asp (NM_001321282.2); c.2306C>A, p.Ala769Asp (NM_001321283.2); c.1766C>A, p.Ala589Asp (NM_001321285.2); short protein forms A407D, A769D, A943D, A798D, A589D, A828D.
Identifiers: ClinVar variation 1796519 (VCV001796519.2), dbSNP rs2514203688, ClinGen allele CA406811775.